The following is an entry in ClinVar:

NM_000218.3(KCNQ1):c.1394-9811C>T

Genes: KCNQ1 (potassium voltage-gated channel subfamily Q member 1; plus strand), KCNQ1OT1 (KCNQ1 opposite strand/antisense transcript 1; minus strand). Cytogenetic location: 11p15.5.
Variant type: single nucleotide variant.
Coding change: c.1394-9811C>T on transcript NM_000218.3 (MANE Select); 9811 bases into the intron before coding-DNA position 1394, C replaced by T.
Molecular consequence: intron variant. On other transcripts: non-coding transcript variant (1).
Genome position (GRCh38, 1-based): chr11:2,652,150, C>T. VCF-style: chr11-2652150-C-T. GRCh37 (hg19) VCF-style: chr11-2673380-C-T.
Other names: c.1124-9811C>T (NM_001406837.1); c.1298-9811C>T (NM_001406836.1); c.854-9811C>T (NM_001406838.1); c.1013-9811C>T (NM_181798.2).
Identifiers: ClinVar variation 2641435 (VCV002641435.24), dbSNP rs562340107, ClinGen allele CA216163826.

ClinVar aggregate classification (germline): Benign (1 of 4 stars; one submission).

Allele frequency attached by ClinVar (database versions not stated): gnomAD exomes 0.00017; gnomAD 0.00078; TOPMed 0.00088; 1000 Genomes Project 0.00100.
gnomAD v4.1: 158 of 398,624 alleles (0.04%); highest among the groups gnomAD compares: African/African-American, 0.27%; no homozygotes.

Submission:

CeGaT Center for Human Genetics Tuebingen
Classification: Benign. Last evaluated: 2022-09-01. Review status: criteria provided, single submitter. Criteria: CeGaT Center For Human Genetics Tuebingen Variant Classification Criteria Version 2. Collection method: clinical testing. Allele origin: germline. Affected: yes. Observed: 1 variant allele.
Comment: KCNQ1OT1: BS1, BS2